The following is an entry in ClinVar:

ClinVar aggregate classification (germline): Uncertain significance (1 of 4 stars; one submission).

Submission:

Ambry Genetics
Classification: Uncertain significance. Last evaluated: 2025-10-03. Review status: criteria provided, single submitter. Criteria: Ambry Variant Classification Scheme 2023. Collection method: clinical testing. Allele origin: germline.
Comment: The p.Y545H variant (also known as c.1633T>C), located in coding exon 11 of the RINT1 gene, results from a T to C substitution at nucleotide position 1633. The tyrosine at codon 545 is replaced by histidine, an amino acid with similar properties. This amino acid position is conserved. In addition, the in silico prediction for this alteration is inconclusive. Since supporting evidence is limited at this time, the clinical significance of this alteration remains unclear.

NM_021930.6(RINT1):c.1633T>C (p.Tyr545His)

Gene: RINT1 (RAD50 interactor 1; plus strand). Cytogenetic location: 7q22.3.
Variant type: single nucleotide variant.
Coding change: c.1633T>C on transcript NM_021930.6 (MANE Select); coding-DNA position 1633, T replaced by C.
Protein change: p.Tyr545His; replaces tyrosine 545 with histidine.
Molecular consequence: missense variant.
Genome position (GRCh38, 1-based): chr7:105,555,189, T>C. VCF-style: chr7-105555189-T-C. GRCh37 (hg19) VCF-style: chr7-105195636-T-C.
Other names: c.1399T>C, p.Tyr467His (NM_001346599.2); c.610T>C, p.Tyr204His (NM_001346600.2, NM_001346603.2); c.709T>C, p.Tyr237His (NM_001346601.2); short protein forms Y204H, Y545H, Y237H, Y467H.
Identifiers: ClinVar variation 2447205 (VCV002447205.3), dbSNP rs2485150208, ClinGen allele CA368811903.